The following is an entry in ClinVar:

ClinVar aggregate classification (germline): Uncertain significance. Review status: criteria provided, multiple submitters, no conflicts (2 of 4 stars). 3 submissions from 3 submitters: Uncertain significance (3). Last evaluated 2024-02-24.

Conditions:
Neuroblastoma, susceptibility to, 3. Also called: ALK-Related Neuroblastic Tumor Susceptibility. Identifiers: Orphanet 635, MedGen C2751681, MONDO:0013083, OMIM 613014.
Hereditary cancer-predisposing syndrome. Also called: Hereditary neoplastic syndrome; Tumor predisposition; Neoplastic Syndromes, Hereditary; Hereditary Cancer Syndrome. Identifiers: Orphanet 140162, MedGen C0027672, MeSH D009386, MONDO:0015356.

Allele frequency attached by ClinVar (database versions not stated): TOPMed below 0.00001; gnomAD 0.00001; gnomAD exomes 0.00002; ExAC 0.00003.
gnomAD v4.1: 11 of 1,613,268 alleles (0.00068%); highest among the groups gnomAD compares: African/African-American, 0.0013%; no homozygotes.

Submissions (3):

Ambry Genetics
Classification: Uncertain significance for Hereditary cancer-predisposing syndrome. Last evaluated: 2024-02-24. Review status: criteria provided, single submitter. Criteria: Ambry Variant Classification Scheme 2023. Collection method: clinical testing. Allele origin: germline.
Comment: The p.V1058A variant (also known as c.3173T>C) is located in coding exon 20 of the ALK gene. The valine at codon 1058 is replaced by alanine, an amino acid with similar properties. This change occurs in the first base pair of coding exon 20. This amino acid position is conserved. In addition, the in silico prediction for this alteration is inconclusive. Since supporting evidence is limited at this time, the clinical significance of this alteration remains unclear.

Labcorp Genetics (formerly Invitae), Labcorp
Classification: Uncertain significance for Neuroblastoma, susceptibility to, 3. Last evaluated: 2023-09-22. Review status: criteria provided, single submitter. Criteria: Invitae Variant Classification Sherloc (09022015). Collection method: clinical testing. Allele origin: germline.
Comment: This variant has not been reported in the literature in individuals affected with ALK-related conditions. This variant is present in population databases (rs772708400, gnomAD 0.005%). This sequence change replaces valine, which is neutral and non-polar, with alanine, which is neutral and non-polar, at codon 1058 of the ALK protein (p.Val1058Ala). In summary, the available evidence is currently insufficient to determine the role of this variant in disease. Therefore, it has been classified as a Variant of Uncertain Significance. An algorithm developed to predict the effect of missense changes on protein structure and function (PolyPhen-2) suggests that this variant is likely to be disruptive. ClinVar contains an entry for this variant (Variation ID: 858594).

Institute for Clinical Genetics, University Hospital TU Dresden, University Hospital TU Dresden
Classification: Uncertain significance. Last evaluated: 2021-11-03. Review status: criteria provided, single submitter. Criteria: ACMG Guidelines, 2015. Collection method: clinical testing. Allele origin: germline.

NM_004304.5(ALK):c.3173T>C (p.Val1058Ala)

Gene: ALK (ALK receptor tyrosine kinase; minus strand). Cytogenetic location: 2p23.2.
Variant type: single nucleotide variant.
Coding change: c.3173T>C on transcript NM_004304.5 (MANE Select); coding-DNA position 3173, T replaced by C.
Protein change: p.Val1058Ala; replaces valine 1058 with alanine.
Molecular consequence: missense variant. On other transcripts: 5 prime UTR variant (1).
Genome position (GRCh38, 1-based): chr2:29,223,528, A>G on the plus strand (T>C on the coding strand, the complement: ALK is on the minus strand). VCF-style: chr2-29223528-A-G. GRCh37 (hg19) VCF-style: chr2-29446394-A-G.
Other names: c.-32T>C (NM_001353765.2); short protein forms V1058A.
Identifiers: ClinVar variation 858594 (VCV000858594.12), dbSNP rs772708400, ClinGen allele CA1594043.